The following is an entry in ClinVar:

NM_000548.5(TSC2):c.1914G>A (p.Val638=)

Gene: TSC2 (TSC complex subunit 2; plus strand). Cytogenetic location: 16p13.3.
Variant type: single nucleotide variant.
Coding change: c.1914G>A on transcript NM_000548.5 (MANE Select); coding-DNA position 1914, G replaced by A.
Protein change: p.Val638=; no amino-acid change (valine 638 retained).
Molecular consequence: synonymous variant.
Genome position (GRCh38, 1-based): chr16:2,071,584, G>A. VCF-style: chr16-2071584-G-A. GRCh37 (hg19) VCF-style: chr16-2121585-G-A.
Other names: c.1914G>A, p.Val638= (NM_001077183.3, NM_001114382.3, NM_001363528.2 and 3 more transcripts); c.1803G>A, p.Val601= (NM_001318827.2); c.1767G>A, p.Val589= (NM_001318829.2); c.1314G>A, p.Val438= (NM_001318831.2); c.1947G>A, p.Val649= (NM_001318832.2).
Identifiers: ClinVar variation 536061 (VCV000536061.20), dbSNP rs933464584, ClinGen allele CA276737342.

ClinVar aggregate classification (germline): Conflicting classifications of pathogenicity. Review status: criteria provided, conflicting classifications (1 of 4 stars). 5 submissions from 5 submitters: Uncertain significance (1); Benign (2); Likely benign (2). Last evaluated 2025-09-08.

Conditions:
Tuberous sclerosis 2 (TSC2). Identifiers: Orphanet 805, MedGen C1860707, MONDO:0013199, OMIM 613254.
Tuberous sclerosis syndrome (TSC). Also called: Tuberous Sclerosis Complex; Tuberous sclerosis. Identifiers: Orphanet 805, MedGen C0041341, MONDO:0001734.
Hereditary cancer-predisposing syndrome. Also called: Neoplastic Syndromes, Hereditary; Tumor predisposition; Hereditary Cancer Syndrome; Hereditary neoplastic syndrome. Identifiers: Orphanet 140162, MedGen C0027672, MeSH D009386, MONDO:0015356.

Allele frequency attached by ClinVar (database versions not stated): TOPMed 0.00001.

Submissions (5):

Labcorp Genetics (formerly Invitae), Labcorp
Classification: Likely benign for Tuberous sclerosis 2. Last evaluated: 2025-09-08. Review status: criteria provided, single submitter. Criteria: Invitae Variant Classification Sherloc (09022015). Collection method: clinical testing. Allele origin: germline.

Color Diagnostics, LLC DBA Color Health
Classification: Uncertain significance for Tuberous sclerosis syndrome. Last evaluated: 2025-08-10. Review status: criteria provided, single submitter. Criteria: ACMG Guidelines, 2015. Collection method: clinical testing. Allele origin: germline.
Comment: This variant is located in the TSC2 protein. To our knowledge, functional studies have not been reported for this variant. This variant has not been reported in individuals affected with TSC2-related disorders in the literature. This variant has not been identified in the general population by the Genome Aggregation Database (gnomAD). The available evidence is insufficient to determine the role of this variant in disease conclusively. Therefore, this variant is classified as a Variant of Uncertain Significance.

Myriad Genetics, Inc.
Classification: Benign for Tuberous sclerosis 2. Last evaluated: 2025-05-16. Review status: criteria provided, single submitter. Criteria: Myriad Autosomal Dominant, Autosomal Recessive and X-Linked Classification Criteria (2023). Collection method: clinical testing. Allele origin: unknown.
Comment: This variant is considered benign. This variant is a silent/synonymous amino acid change and it is not expected to impact splicing.

Genome-Nilou Lab
Classification: Benign for Tuberous sclerosis 2. Last evaluated: 2021-11-07. Review status: criteria provided, single submitter. Criteria: ACMG Guidelines, 2015. Collection method: clinical testing. Allele origin: germline. Affected: no.

Ambry Genetics
Classification: Likely benign for Hereditary cancer-predisposing syndrome. Last evaluated: 2019-07-16. Review status: criteria provided, single submitter. Criteria: Ambry Variant Classification Scheme 2023. Collection method: clinical testing. Allele origin: germline.